The following is an entry in ClinVar:

NM_032603.5(LOXL3):c.1324T>A (p.Trp442Arg)

Gene: LOXL3 (lysyl oxidase like 3; minus strand). Cytogenetic location: 2p13.1.
Variant type: single nucleotide variant.
Coding change: c.1324T>A on transcript NM_032603.5 (MANE Select); coding-DNA position 1324, T replaced by A.
Protein change: p.Trp442Arg; replaces tryptophan 442 with arginine.
Molecular consequence: missense variant.
Genome position (GRCh38, 1-based): chr2:74,535,680, A>T on the plus strand (T>A on the coding strand, the complement: LOXL3 is on the minus strand). VCF-style: chr2-74535680-A-T. GRCh37 (hg19) VCF-style: chr2-74762807-A-T.
Other names: c.889T>A, p.Trp297Arg (NM_001289164.3); c.241T>A, p.Trp81Arg (NM_001289165.2); short protein forms W442R, W81R, W297R.
Identifiers: ClinVar variation 1437933 (VCV001437933.8), dbSNP rs2104395420, ClinGen allele CA347388114.

ClinVar aggregate classification (germline): Uncertain significance (1 of 4 stars; one submission).

Submission:

Labcorp Genetics (formerly Invitae), Labcorp
Classification: Uncertain significance. Last evaluated: 2022-04-08. Review status: criteria provided, single submitter. Criteria: Invitae Variant Classification Sherloc (09022015). Collection method: clinical testing. Allele origin: germline.
Comment: In summary, the available evidence is currently insufficient to determine the role of this variant in disease. Therefore, it has been classified as a Variant of Uncertain Significance. Algorithms developed to predict the effect of sequence changes on RNA splicing suggest that this variant may create or strengthen a splice site. Algorithms developed to predict the effect of missense changes on protein structure and function (SIFT, PolyPhen-2, Align-GVGD) all suggest that this variant is likely to be disruptive. This variant has not been reported in the literature in individuals affected with LOXL3-related conditions. This variant is not present in population databases (gnomAD no frequency). This sequence change replaces tryptophan, which is neutral and slightly polar, with arginine, which is basic and polar, at codon 442 of the LOXL3 protein (p.Trp442Arg).